The following is an entry in ClinVar:

NM_003072.5(SMARCA4):c.3546+5A>G

Gene: SMARCA4 (SWI/SNF related BAF chromatin remodeling complex subunit ATPase 4; plus strand). Cytogenetic location: 19p13.2.
Variant type: single nucleotide variant.
Coding change: c.3546+5A>G on transcript NM_003072.5 (MANE Select); 5 bases into the intron after coding-DNA position 3546, A replaced by G.
Molecular consequence: intron variant.
Genome position (GRCh38, 1-based): chr19:11,030,898, A>G. VCF-style: chr19-11030898-A-G. GRCh37 (hg19) VCF-style: chr19-11141574-A-G.
Other names: c.3546+5A>G (NM_001128844.3, NM_001128849.3, NM_001128847.4 and 6 more transcripts).
Identifiers: ClinVar variation 2102535 (VCV002102535.7), dbSNP rs1340595345, ClinGen allele CA631762970.
Genomic context (GRCh38, chr19:11,030,898, plus strand): 5'-ACCTCCAGTCGGCAGACACTGTGATCATTTTTGACAGCGACTGGAATCCTCACCAGGTAA[A>G]AGCGGGCCGGGCCCCAGGTCGAGGAGAAGGAAGGGGGTGCCTGCAAAACCTCGAGGAGAC-3'

ClinVar aggregate classification (germline): Uncertain significance. Review status: criteria provided, multiple submitters, no conflicts (2 of 4 stars). 2 submissions from 2 submitters: Uncertain significance (2). Last evaluated 2025-12-08.

Conditions:
Rhabdoid tumor predisposition syndrome 2 (RTPS2). Identifiers: Orphanet 231108, Orphanet 69077, MedGen C2750074, MONDO:0013224, OMIM 613325.
Hereditary cancer-predisposing syndrome. Also called: Hereditary Cancer Syndrome; Tumor predisposition; Neoplastic Syndromes, Hereditary; Hereditary neoplastic syndrome. Identifiers: Orphanet 140162, MedGen C0027672, MeSH D009386, MONDO:0015356.

Allele frequency attached by ClinVar (database versions not stated): gnomAD exomes below 0.00001.
gnomAD v4.1: 1 of 1,609,482 alleles (0.000062%); highest among the groups gnomAD compares: Admixed American, 0.0017%; no homozygotes.

Submissions (2):

Ambry Genetics
Classification: Uncertain significance for Hereditary cancer-predisposing syndrome. Last evaluated: 2025-12-08. Review status: criteria provided, single submitter. Criteria: Ambry Variant Classification Scheme 2023. Collection method: clinical testing. Allele origin: germline.
Comment: The c.3546+5A>G intronic variant results from an A to G substitution 5 nucleotides after coding exon 24 in the SMARCA4 gene. This nucleotide position is not well conserved in available vertebrate species. In silico splice site analysis predicts that this alteration will not have any significant effect on splicing. Based on the available evidence, the clinical significance of this variant remains unclear.

Labcorp Genetics (formerly Invitae), Labcorp
Classification: Uncertain significance for Rhabdoid tumor predisposition syndrome 2. Last evaluated: 2025-01-08. Review status: criteria provided, single submitter. Criteria: Invitae Variant Classification Sherloc (09022015). Collection method: clinical testing. Allele origin: germline.
Comment: This sequence change falls in intron 25 of the SMARCA4 gene. It does not directly change the encoded amino acid sequence of the SMARCA4 protein. It affects a nucleotide within the consensus splice site. This variant is not present in population databases (gnomAD no frequency). This variant has not been reported in the literature in individuals affected with SMARCA4-related conditions. ClinVar contains an entry for this variant (Variation ID: 2102535). Variants that disrupt the consensus splice site are a relatively common cause of aberrant splicing (PMID: 17576681, 9536098). Algorithms developed to predict the effect of sequence changes on RNA splicing suggest that this variant is not likely to affect RNA splicing. In summary, the available evidence is currently insufficient to determine the role of this variant in disease. Therefore, it has been classified as a Variant of Uncertain Significance.

Literature cited by the submitters: PubMed 17576681 (cited by Labcorp Genetics (formerly Invitae), Labcorp); PubMed 9536098 (cited by Labcorp Genetics (formerly Invitae), Labcorp).